The following is an entry in ClinVar:

ClinVar aggregate classification (germline): Likely pathogenic. Review status: reviewed by expert panel (3 of 4 stars). 2 submissions from 2 submitters: Likely pathogenic (1). 1 of the submissions does not count toward it. Last evaluated 2024-01-31.

Conditions:
X-linked severe combined immunodeficiency (SCIDX1). Also called: IMMUNODEFICIENCY 4; SCID, X-LINKED; SEVERE COMBINED IMMUNODEFICIENCY, X-LINKED, T CELL-NEGATIVE, B CELL-POSITIVE, NK CELL-NEGATIVE; T-B+ severe combined immunodeficiency due to gamma chain deficiency; X-Linked Combined Immunodeficiency Diseases. Identifiers: Orphanet 276, MedGen C6022468, MONDO:0010315, OMIM 300400. Disease mechanism: loss of function.

Submissions (2):

ClinGen Severe Combined Immunodeficiency Variant Curation Expert Panel, ClinGen
Classification: Likely pathogenic for X-linked severe combined immunodeficiency. Last evaluated: 2024-01-31. Review status: reviewed by expert panel. Criteria: ClinGen SCID ACMG Specifications IL2RG V1.0.0. Collection method: curation. Allele origin: germline. Inheritance: X-linked inheritance.
Comment: c.216C>A (p.Cys72Ter) (NM_000206.3) variant in IL2RG is a nonsense variant predicted to cause a premature stop codon in biologically-relevant-exon 2/8 leading to nonsense-mediated decay in a gene in which loss-of-function is an established disease mechanism (PVS1 Met). The variant is absent in gnomAD v4 (PM2_supporting). There are no publications for this variant in the literature. In summary, this variant meets the criteria to be classified as a Likely Pathogenic variant for X-linked severe combined immunodeficiency due to IL2RG deficiency based on the ACMG/AMP criteria applied, as specified by the ClinGen SCID VCEP: PM2_supporting,PVS1 (VCEP specifications version 1).

Labcorp Genetics (formerly Invitae), Labcorp
Classification: Pathogenic for X-linked severe combined immunodeficiency. Last evaluated: 2021-06-30. Review status: criteria provided, single submitter. Criteria: Invitae Variant Classification Sherloc (09022015). Collection method: clinical testing. Allele origin: germline. Not counted in ClinVar's aggregate classification.
Comment: This variant has not been reported in the literature in individuals affected with IL2RG-related conditions. For these reasons, this variant has been classified as Pathogenic. This variant is not present in population databases (ExAC no frequency). This sequence change creates a premature translational stop signal (p.Cys72*) in the IL2RG gene. It is expected to result in an absent or disrupted protein product. Loss-of-function variants in IL2RG are known to be pathogenic (PMID: 9058718, 10794430).

Literature cited by the submitters: PubMed 9058718 (cited by Labcorp Genetics (formerly Invitae), Labcorp); PubMed 10794430 (cited by Labcorp Genetics (formerly Invitae), Labcorp).

NM_000206.3(IL2RG):c.216C>A (p.Cys72Ter)

Gene: IL2RG (interleukin 2 receptor subunit gamma; minus strand). Cytogenetic location: Xq13.1.
Variant type: single nucleotide variant.
Coding change: c.216C>A on transcript NM_000206.3 (MANE Select); coding-DNA position 216, C replaced by A.
Protein change: p.Cys72Ter; replaces cysteine 72 with a stop codon.
Molecular consequence: nonsense.
Genome position (GRCh38, 1-based): chrX:71,110,950, G>T on the plus strand (C>A on the coding strand, the complement: IL2RG is on the minus strand). VCF-style: chrX-71110950-G-T. GRCh37 (hg19) VCF-style: chrX-70330800-G-T.
Other names: NM_000206.3(IL2RG):c.216C>A; p.Cys72Ter; short protein forms C72*.
Identifiers: ClinVar variation 1369885 (VCV001369885.7), dbSNP rs2147750927, ClinGen allele CA413497082.